The following is an entry in ClinVar:

ClinVar aggregate classification (germline): Likely pathogenic (1 of 4 stars; one submission).

Conditions:
Inborn genetic diseases. Identifiers: MedGen C0950123, MeSH D030342.

Allele frequency attached by ClinVar (database versions not stated): TOPMed below 0.00001.

Submission:

Ambry Genetics
Classification: Likely pathogenic for Inborn genetic diseases. Last evaluated: 2019-08-27. Review status: criteria provided, single submitter. Criteria: Ambry Variant Classification Scheme 2023. Collection method: clinical testing. Allele origin: germline.
Comment: The c.1754_1755delAT variant, located in coding exon 6 of the LINS gene, results from a deletion of two nucleotides at nucleotide positions 1754 to 1755, causing a translational frameshift with a predicted alternate stop codon (p.D585Gfs*14). Frameshifts are typically deleterious in nature, however, this frameshift occurs at the 3' terminus and is not expected to trigger nonsense-mediated mRNA decay. The exact functional impact of these altered amino acids is unknown at this time; however, the truncation is predicted to remove >20% of the protein. Based on the majority of available evidence to date, this variant is likely to be pathogenic.

NM_001040616.3(LINS1):c.1754_1755del (p.Asp585fs)

Gene: LINS1 (lines homolog 1; minus strand). Cytogenetic location: 15q26.3.
Variant type: Deletion.
Coding change: c.1754_1755del on transcript NM_001040616.3 (MANE Select); coding-DNA positions 1754 to 1755, 2 bases deleted (AT; older notation c.1754_1755delAT).
Protein change: p.Asp585fs; shifts the reading frame from aspartic acid 585.
Molecular consequence: frameshift variant. On other transcripts: non-coding transcript variant (3).
Genome position (GRCh38, 1-based): chr15:100,569,757-100,569,758, AT deleted on the plus strand (AT on the coding strand, the reverse complement: LINS1 is on the minus strand). VCF-style (leftmost placement, unchanged base first): chr15-100569756-CAT-C. GRCh37 (hg19) VCF-style: chr15-101109961-CAT-C.
Other names: c.1007_1008del, p.Asp336fs (NM_001352507.2); c.1601_1602del, p.Asp534fs (NM_001352508.2); short protein forms D336fs, D534fs, D585fs.
Identifiers: ClinVar variation 1800367 (VCV001800367.2), dbSNP rs1834650809, ClinGen allele CA2200112545.
Genomic context (GRCh38, chr15:100,569,756, plus strand): 5'-ACATCACAGCTTTCAGTGGTTCAGAGGGAGCATCGGAAGCCCAGGAGTGCCGAGCACACA[CAT>C]CTCTGTGACTATGAGGAGCAGTCAAACGATGGGGTATTGTTTGGTTGGAGCTTTGGTCTT-3'